The following is an entry in ClinVar:

NM_017866.6(TMEM70):c.578C>T (p.Thr193Ile)

Gene: TMEM70 (transmembrane protein 70; plus strand). Cytogenetic location: 8q21.11.
Variant type: single nucleotide variant.
Coding change: c.578C>T on transcript NM_017866.6 (MANE Select); coding-DNA position 578, C replaced by T.
Protein change: p.Thr193Ile; replaces threonine 193 with isoleucine.
Molecular consequence: missense variant. On other transcripts: 3 prime UTR variant (1), non-coding transcript variant (1).
Genome position (GRCh38, 1-based): chr8:73,981,416, C>T. VCF-style: chr8-73981416-C-T. GRCh37 (hg19) VCF-style: chr8-74893651-C-T.
Other names: p.T193I:ACA>ATA; c.*268C>T (NM_001040613.3); short protein forms T193I.
Identifiers: ClinVar variation 203987 (VCV000203987.2), dbSNP rs796052055, ClinGen allele CA313084.

ClinVar aggregate classification (germline): Likely pathogenic (1 of 4 stars; one submission).

Submission:

GeneDx
Classification: Likely pathogenic. Last evaluated: 2014-01-18. Review status: criteria provided, single submitter. Criteria: GeneDx Variant Classification (06012015). Collection method: clinical testing. Allele origin: germline. Affected: yes.
Comment: p.Thr193Ile (ACA>ATA): c.578 C>T in exon 3 of the TMEM70 gene (NM_017866.5) A T193I missense change that is likely pathogenic was identified in the TMEM70 gene. It has not been published as a mutation, nor has it been reported as a benign polymorphism to our knowledge. The T193I variant is a non-conservative amino acid substitution as these residues differ in polarity, charge, size and/or other properties and is more likely to impact secondary structure. This substitution occurs at a highly conserved position in the TMEM70 protein, and multiple in-silico analysis models predict that T193I is damaging to the TMEM70 protein. Therefore, T193I is a strong candidate for a disease-causing mutation, however the possibility that it is a benign variant cannot be excluded. The variant is found in LAPDH-MITOP panel(s).